The following is an entry in ClinVar:

ClinVar aggregate classification (germline): Uncertain significance (1 of 4 stars; one submission).

Conditions:
Autosomal recessive limb-girdle muscular dystrophy type 2O. Also called: Limb-Girdle Muscular Dystrophy Type 3C; MUSCULAR DYSTROPHY-DYSTROGLYCANOPATHY (LIMB-GIRDLE), TYPE C, 3; MUSCULAR DYSTROPHY-DYSTROGLYCANOPATHY, LIMB-GIRDLE, POMGNT1-RELATED. Identifiers: Orphanet 206564, MedGen C3150417, MONDO:0013161, OMIM 613157.
Muscular dystrophy-dystroglycanopathy (congenital with impaired intellectual development), type B, 3. Also called: MUSCULAR DYSTROPHY, CONGENITAL, POMGNT1-RELATED; Muscular dystrophy-dystroglycanopathy (congenital with intellectual disability), type B3. Identifiers: MedGen C3150412, MONDO:0013155, OMIM 613151.

Allele frequency attached by ClinVar (database versions not stated): gnomAD exomes below 0.00001.
gnomAD v4.1: 1 of 1,613,470 alleles (0.000062%); highest among the groups gnomAD compares: Admixed American, 0.0017%; no homozygotes.

Submission:

Labcorp Genetics (formerly Invitae), Labcorp
Classification: Uncertain significance for Autosomal recessive limb-girdle muscular dystrophy type 2O; Muscular dystrophy-dystroglycanopathy (congenital with impaired intellectual development), type B, 3. Last evaluated: 2023-10-13. Review status: criteria provided, single submitter. Criteria: Invitae Variant Classification Sherloc (09022015). Collection method: clinical testing. Allele origin: germline.
Comment: This sequence change replaces proline, which is neutral and non-polar, with leucine, which is neutral and non-polar, at codon 657 of the POMGNT1 protein (p.Pro657Leu). This variant is present in population databases (no rsID available, gnomAD 0.003%). This variant has not been reported in the literature in individuals affected with POMGNT1-related conditions. ClinVar contains an entry for this variant (Variation ID: 1986610). Advanced modeling of protein sequence and biophysical properties (such as structural, functional, and spatial information, amino acid conservation, physicochemical variation, residue mobility, and thermodynamic stability) performed at Invitae indicates that this missense variant is not expected to disrupt POMGNT1 protein function. In summary, the available evidence is currently insufficient to determine the role of this variant in disease. Therefore, it has been classified as a Variant of Uncertain Significance.

NM_017739.4(POMGNT1):c.1970C>T (p.Pro657Leu)

Genes: POMGNT1 (protein O-linked mannose N-acetylglucosaminyltransferase 1 (beta 1,2-); minus strand), TSPAN1 (tetraspanin 1; plus strand). Cytogenetic location: 1p34.1.
Variant type: single nucleotide variant.
Coding change: c.1970C>T on transcript NM_017739.4 (MANE Select); coding-DNA position 1970, C replaced by T.
Protein change: p.Pro657Leu; replaces proline 657 with leucine.
Molecular consequence: missense variant. On other transcripts: synonymous variant (1), intron variant (1).
Genome position (GRCh38, 1-based): chr1:46,189,283, G>A on the plus strand (C>T on the coding strand, the complement: POMGNT1 is on the minus strand). VCF-style: chr1-46189283-G-A. GRCh37 (hg19) VCF-style: chr1-46654955-G-A.
Other names: c.1944C>T, p.Pro648= (NM_001243766.2); c.1904C>T, p.Pro635Leu (NM_001290129.3); c.1541C>T, p.Pro514Leu (NM_001290130.2); c.1895+175C>T (NM_001410783.1); short protein forms P635L, P657L, P514L.
Identifiers: ClinVar variation 1986610 (VCV001986610.4), dbSNP rs1396164428, ClinGen allele CA340170171.
Genomic context (GRCh38, chr1:46,189,283, plus strand): 5'-GCCTGGGGGTACACAGTACCCAGCCCCGCAGGGTCCTGGAGGAGGTCTCATGTCTGTTCT[G>A]GGGCTCCTGGGGCTCCCTCCTCCTTTGGGGGTGGCTCCAGGAAAATTGGGGTGACTGAGG-3'
Protein context (NP_060209.4, residues 647-660): PPKEEGAPGA[Pro657Leu]EQT